The following is an entry in ClinVar:

NM_018417.6(ADCY10):c.3750+1G>A

Gene: ADCY10 (adenylate cyclase 10; minus strand). Cytogenetic location: 1q24.2.
Variant type: single nucleotide variant.
Coding change: c.3750+1G>A on transcript NM_018417.6 (MANE Select); the canonical splice donor site of the intron after coding-DNA position 3750, G replaced by A.
Molecular consequence: splice donor variant.
Genome position (GRCh38, 1-based): chr1:167,829,266, C>T on the plus strand (G>A on the coding strand, the complement: ADCY10 is on the minus strand). VCF-style: chr1-167829266-C-T. GRCh37 (hg19) VCF-style: chr1-167798504-C-T.
Other names: c.3291+1G>A (NM_001167749.3); c.3474+1G>A (NM_001297772.2).
Identifiers: ClinVar variation 2983306 (VCV002983306.2), dbSNP rs200044782, ClinGen allele CA31428954.

ClinVar aggregate classification (germline): Likely pathogenic (1 of 4 stars; one submission).

gnomAD v4.1: 5 of 1,613,888 alleles (0.00031%); highest among the groups gnomAD compares: African/African-American, 0.0053%; no homozygotes.

Submission:

Labcorp Genetics (formerly Invitae), Labcorp
Classification: Likely pathogenic. Last evaluated: 2023-06-30. Review status: criteria provided, single submitter. Criteria: Invitae Variant Classification Sherloc (09022015). Collection method: clinical testing. Allele origin: germline.
Comment: This sequence change affects a donor splice site in intron 26 of the ADCY10 gene. It is expected to disrupt RNA splicing. Variants that disrupt the donor or acceptor splice site typically lead to a loss of protein function (PMID: 16199547), and loss-of-function variants in ADCY10 are known to be pathogenic (PMID: 31119281). This variant is present in population databases (rs200044782, gnomAD 0.01%). This variant has not been reported in the literature in individuals affected with ADCY10-related conditions. Algorithms developed to predict the effect of sequence changes on RNA splicing suggest that this variant may disrupt the consensus splice site. In summary, the currently available evidence indicates that the variant is pathogenic, but additional data are needed to prove that conclusively. Therefore, this variant has been classified as Likely Pathogenic.

Literature cited by the submitters: PubMed 16199547; PubMed 31119281.